The following is an entry in ClinVar:

NM_004655.4(AXIN2):c.1642G>T (p.Glu548Ter)

Gene: AXIN2 (axin 2; minus strand). Cytogenetic location: 17q24.1.
Variant type: single nucleotide variant.
Coding change: c.1642G>T on transcript NM_004655.4 (MANE Select); coding-DNA position 1642, G replaced by T.
Protein change: p.Glu548Ter; replaces glutamic acid 548 with a stop codon.
Molecular consequence: nonsense.
Genome position (GRCh38, 1-based): chr17:65,537,394, C>A on the plus strand (G>T on the coding strand, the complement: AXIN2 is on the minus strand). VCF-style: chr17-65537394-C-A. GRCh37 (hg19) VCF-style: chr17-63533512-C-A.
Other names: c.1642G>T, p.Glu548Ter (NM_001363813.1); c.1642G>T (LRG_296t1); short protein forms E548*.
Identifiers: ClinVar variation 533194 (VCV000533194.9), dbSNP rs367624903, ClinGen allele CA400677044.

ClinVar aggregate classification (germline): Pathogenic. Review status: criteria provided, multiple submitters, no conflicts (2 of 4 stars). 3 submissions from 3 submitters: Pathogenic (3). Last evaluated 2023-06-29.

Conditions:
Hereditary cancer-predisposing syndrome. Also called: Hereditary neoplastic syndrome; Neoplastic Syndromes, Hereditary; Tumor predisposition; Hereditary Cancer Syndrome. Identifiers: Orphanet 140162, MedGen C0027672, MeSH D009386, MONDO:0015356.
Oligodontia-cancer predisposition syndrome. Also called: TOOTH AGENESIS-COLORECTAL CANCER SYNDROME. Identifiers: Orphanet 300576, MedGen C1837750, MONDO:0012075, OMIM 608615. Disease mechanism: loss of function.

Submissions (3):

Ambry Genetics
Classification: Pathogenic for Hereditary cancer-predisposing syndrome. Last evaluated: 2023-06-29. Review status: criteria provided, single submitter. Criteria: Ambry Variant Classification Scheme 2023. Collection method: clinical testing. Allele origin: germline.
Comment: The p.E548* pathogenic mutation (also known as c.1642G>T), located in coding exon 5 of the AXIN2 gene, results from a G to T substitution at nucleotide position 1642. This changes the amino acid from a glutamic acid to a stop codon within coding exon 5. This alteration has been observed in at least one individual with a personal and/or family history that is consistent with AXIN2-related disease (Ambry internal data). This variant is considered to be rare based on population cohorts in the Genome Aggregation Database (gnomAD). This alteration is expected to result in loss of function by premature protein truncation or nonsense-mediated mRNA decay. As such, this alteration is interpreted as a disease-causing mutation.

Myriad Genetics, Inc.
Classification: Pathogenic for Oligodontia-cancer predisposition syndrome. Last evaluated: 2023-05-17. Review status: criteria provided, single submitter. Criteria: Myriad Autosomal Dominant, Autosomal Recessive and X-Linked Classification Criteria (2023). Collection method: clinical testing. Allele origin: unknown.
Comment: This variant is considered pathogenic. This variant creates a termination codon and is predicted to result in premature protein truncation.

Labcorp Genetics (formerly Invitae), Labcorp
Classification: Pathogenic for Oligodontia-cancer predisposition syndrome. Last evaluated: 2023-04-22. Review status: criteria provided, single submitter. Criteria: Invitae Variant Classification Sherloc (09022015). Collection method: clinical testing. Allele origin: germline.
Comment: For these reasons, this variant has been classified as Pathogenic. ClinVar contains an entry for this variant (Variation ID: 533194). This variant has not been reported in the literature in individuals affected with AXIN2-related conditions. This variant is not present in population databases (gnomAD no frequency). This sequence change creates a premature translational stop signal (p.Glu548*) in the AXIN2 gene. It is expected to result in an absent or disrupted protein product. Loss-of-function variants in AXIN2 are known to be pathogenic (PMID: 15042511, 21416598).

Literature cited by the submitters: PubMed 15042511 (cited by Labcorp Genetics (formerly Invitae), Labcorp); PubMed 21416598 (cited by Labcorp Genetics (formerly Invitae), Labcorp).